The following is an entry in ClinVar:

ClinVar aggregate classification (germline): Conflicting classifications of pathogenicity. Review status: criteria provided, conflicting classifications (1 of 4 stars). 2 submissions from 2 submitters: Likely pathogenic (1); Uncertain significance (1). Last evaluated 2023-09-27.

Conditions:
Mitochondrial complex I deficiency, nuclear type 5. Also called: Mitochondrial complex 1 deficiency, nuclear type 5. Identifiers: MedGen C4748754, MONDO:0032610, OMIM 618226.

Allele frequency attached by ClinVar (database versions not stated): gnomAD 0.00002 and 0.00003; gnomAD exomes 0.00002 and 0.00004; ExAC 0.00003; 1000 Genomes Project 30x 0.00016; 1000 Genomes Project 0.00020; TOPMed 0.00001.
gnomAD v4.1: 28 of 1,614,000 alleles (0.0017%); highest among the groups gnomAD compares: East Asian, 0.025%; no homozygotes.

Submissions (2):

Labcorp Genetics (formerly Invitae), Labcorp
Classification: Uncertain significance. Last evaluated: 2023-09-27. Review status: criteria provided, single submitter. Criteria: Invitae Variant Classification Sherloc (09022015). Collection method: clinical testing. Allele origin: germline.
Comment: This sequence change replaces valine, which is neutral and non-polar, with methionine, which is neutral and non-polar, at codon 429 of the NDUFS1 protein (p.Val429Met). This variant is present in population databases (rs200397416, gnomAD 0.04%). This missense change has been observed in individual(s) with clinical features of mitochondrial complex I deficiency (PMID: 33547378). ClinVar contains an entry for this variant (Variation ID: 872972). Advanced modeling of protein sequence and biophysical properties (such as structural, functional, and spatial information, amino acid conservation, physicochemical variation, residue mobility, and thermodynamic stability) performed at Invitae indicates that this missense variant is not expected to disrupt NDUFS1 protein function. In summary, the available evidence is currently insufficient to determine the role of this variant in disease. Therefore, it has been classified as a Variant of Uncertain Significance.

Rajaie Cardiovascular, Medical and Research Center, Iran University of Medical Sciences
Classification: Likely pathogenic for Mitochondrial complex I deficiency, nuclear type 5. Last evaluated: 2019-07-05. Review status: criteria provided, single submitter. Criteria: ACMG Guidelines, 2015. Collection method: research. Allele origin: inherited. Inheritance: Autosomal recessive inheritance. Affected: yes.

Literature cited by the submitters: PubMed 33547378 (cited by Labcorp Genetics (formerly Invitae), Labcorp).

NM_005006.7(NDUFS1):c.1285G>A (p.Val429Met)

Gene: NDUFS1 (NADH:ubiquinone oxidoreductase core subunit S1; minus strand). Cytogenetic location: 2q33.3.
Variant type: single nucleotide variant.
Coding change: c.1285G>A on transcript NM_005006.7 (MANE Select); coding-DNA position 1285, G replaced by A.
Protein change: p.Val429Met; replaces valine 429 with methionine.
Molecular consequence: missense variant.
Genome position (GRCh38, 1-based): chr2:206,138,592, C>T on the plus strand (G>A on the coding strand, the complement: NDUFS1 is on the minus strand). VCF-style: chr2-206138592-C-T. GRCh37 (hg19) VCF-style: chr2-207003316-C-T.
Other names: c.1177G>A, p.Val393Met (NM_001199981.2); c.952G>A, p.Val318Met (NM_001199982.2); c.1114G>A, p.Val372Met (NM_001199983.2); c.1327G>A, p.Val443Met (NM_001199984.2); short protein forms V318M, V372M, V393M, V429M, V443M.
Identifiers: ClinVar variation 872972 (VCV000872972.3), dbSNP rs200397416, ClinGen allele CA2070499.